The following is an entry in ClinVar:

ClinVar aggregate classification (germline): Uncertain significance. Review status: criteria provided, multiple submitters, no conflicts (2 of 4 stars). 2 submissions from 2 submitters: Uncertain significance (2). Last evaluated 2024-12-23.

Conditions:
Inborn genetic diseases. Identifiers: MedGen C0950123, MeSH D030342.

Allele frequency attached by ClinVar (database versions not stated): gnomAD 0.00001; gnomAD exomes 0.00001 and 0.00008.
gnomAD v4.1: 9 of 1,435,080 alleles (0.00063%); highest among the groups gnomAD compares: Admixed American, 0.023%; no homozygotes.

Submissions (2):

Ambry Genetics
Classification: Uncertain significance for Inborn genetic diseases. Last evaluated: 2024-12-23. Review status: criteria provided, single submitter. Criteria: Ambry Variant Classification Scheme 2023. Collection method: clinical testing. Allele origin: germline.

Labcorp Genetics (formerly Invitae), Labcorp
Classification: Uncertain significance. Last evaluated: 2022-10-05. Review status: criteria provided, single submitter. Criteria: Invitae Variant Classification Sherloc (09022015). Collection method: clinical testing. Allele origin: germline.
Comment: This sequence change replaces arginine, which is basic and polar, with histidine, which is basic and polar, at codon 221 of the SLC25A42 protein (p.Arg221His). The frequency data for this variant in the population databases is considered unreliable, as metrics indicate poor data quality at this position in the gnomAD database. This variant has not been reported in the literature in individuals affected with SLC25A42-related conditions. ClinVar contains an entry for this variant (Variation ID: 1461762). Advanced modeling of protein sequence and biophysical properties (such as structural, functional, and spatial information, amino acid conservation, physicochemical variation, residue mobility, and thermodynamic stability) performed at Invitae indicates that this missense variant is not expected to disrupt SLC25A42 protein function. In summary, the available evidence is currently insufficient to determine the role of this variant in disease. Therefore, it has been classified as a Variant of Uncertain Significance.

NM_178526.5(SLC25A42):c.662G>A (p.Arg221His)

Genes: SLC25A42 (solute carrier family 25 member 42; plus strand), LOC130064046 (ATAC-STARR-seq lymphoblastoid silent region 10431; plus strand). Cytogenetic location: 19p13.11.
Variant type: single nucleotide variant.
Coding change: c.662G>A on transcript NM_178526.5 (MANE Select); coding-DNA position 662, G replaced by A.
Protein change: p.Arg221His; replaces arginine 221 with histidine.
Molecular consequence: missense variant.
Genome position (GRCh38, 1-based): chr19:19,110,581, G>A. VCF-style: chr19-19110581-G-A. GRCh37 (hg19) VCF-style: chr19-19221390-G-A.
Other names: c.662G>A, p.Arg221His (NM_001321544.2); c.662G>A (NM_178526.3); short protein forms R221H.
Identifiers: ClinVar variation 1461762 (VCV001461762.5), dbSNP rs771630381, ClinGen allele CA9321560.